The following is an entry in ClinVar:

NM_000067.3(CA2):c.779A>G (p.Lys260Arg)

Gene: CA2 (carbonic anhydrase 2; plus strand). Cytogenetic location: 8q21.2.
Variant type: single nucleotide variant.
Coding change: c.779A>G on transcript NM_000067.3 (MANE Select); coding-DNA position 779, A replaced by G.
Protein change: p.Lys260Arg; replaces lysine 260 with arginine.
Molecular consequence: missense variant.
Genome position (GRCh38, 1-based): chr8:85,480,785, A>G. VCF-style: chr8-85480785-A-G. GRCh37 (hg19) VCF-style: chr8-86393014-A-G.
Other names: c.476A>G, p.Lys159Arg (NM_001293675.2); c.779A>G (NM_000067.2); short protein forms K260R, K159R.
Identifiers: ClinVar variation 2184375 (VCV002184375.4), dbSNP rs773785585, ClinGen allele CA4796632.

ClinVar aggregate classification (germline): Uncertain significance. Review status: criteria provided, multiple submitters, no conflicts (2 of 4 stars). 2 submissions from 2 submitters: Uncertain significance (2). Last evaluated 2025-04-01.

Conditions:
Inborn genetic diseases. Identifiers: MedGen C0950123, MeSH D030342.

Allele frequency attached by ClinVar (database versions not stated): gnomAD 0.00002; TOPMed 0.00003; ExAC 0.00002.
gnomAD v4.1: 17 of 1,613,682 alleles (0.0011%); highest among the groups gnomAD compares: African/African-American, 0.0053%; no homozygotes.

Submissions (2):

Ambry Genetics
Classification: Uncertain significance for Inborn genetic diseases. Last evaluated: 2025-04-01. Review status: criteria provided, single submitter. Criteria: Ambry Variant Classification Scheme 2023. Collection method: clinical testing. Allele origin: germline.

Labcorp Genetics (formerly Invitae), Labcorp
Classification: Uncertain significance. Last evaluated: 2023-10-03. Review status: criteria provided, single submitter. Criteria: Invitae Variant Classification Sherloc (09022015). Collection method: clinical testing. Allele origin: germline.
Comment: This sequence change replaces lysine, which is basic and polar, with arginine, which is basic and polar, at codon 260 of the CA2 protein (p.Lys260Arg). This variant is present in population databases (rs773785585, gnomAD 0.008%). This variant has not been reported in the literature in individuals affected with CA2-related conditions. ClinVar contains an entry for this variant (Variation ID: 2184375). Algorithms developed to predict the effect of missense changes on protein structure and function output the following: SIFT: "Not Available"; PolyPhen-2: "Benign"; Align-GVGD: "Not Available". The arginine amino acid residue is found in multiple mammalian species, which suggests that this missense change does not adversely affect protein function. In summary, the available evidence is currently insufficient to determine the role of this variant in disease. Therefore, it has been classified as a Variant of Uncertain Significance.